The following is an entry in ClinVar:

ClinVar aggregate classification (germline): Likely benign. Review status: criteria provided, single submitter (1 of 4 stars). 2 submissions from 2 submitters: Likely benign (1). 1 of the submissions does not count toward it. Last evaluated 2026-09-01.

Conditions:
TRIO-related disorder. Also called: TRIO-related condition; TRIO-related disorders.

Allele frequency attached by ClinVar (database versions not stated): ExAC 0.00008; ESP Exome Variant Server 0.00008; gnomAD exomes 0.00008; gnomAD 0.00011; TOPMed 0.00015.
gnomAD v4.1: 150 of 1,605,934 alleles (0.0093%); highest among the groups gnomAD compares: Admixed American, 0.015%; no homozygotes.

Submissions (2):

CeGaT Center for Human Genetics Tuebingen
Classification: Likely benign. Last evaluated: 2026-09-01. Review status: criteria provided, single submitter. Criteria: CeGaT Center For Human Genetics Tuebingen Variant Classification Criteria Version 2. Collection method: clinical testing. Allele origin: germline. Affected: yes. Observed: 2 variant alleles.
Comment: TRIO: BP4, BP7

PreventionGenetics, part of Exact Sciences
Classification: Likely benign for TRIO-related condition. Last evaluated: 2022-11-22. Review status: no assertion criteria provided. Collection method: clinical testing. Allele origin: germline. Not counted in ClinVar's aggregate classification.
Comment: This variant is classified as likely benign based on ACMG/AMP sequence variant interpretation guidelines (Richards et al. 2015 PMID: 25741868, with internal and published modifications).

NM_007118.4(TRIO):c.6528T>C (p.Asp2176=)

Gene: TRIO (trio Rho guanine nucleotide exchange factor; plus strand). Cytogenetic location: 5p15.2.
Variant type: single nucleotide variant.
Coding change: c.6528T>C on transcript NM_007118.4 (MANE Select); coding-DNA position 6528, T replaced by C.
Protein change: p.Asp2176=; no amino-acid change (aspartic acid 2176 retained).
Molecular consequence: synonymous variant. On other transcripts: non-coding transcript variant (1).
Genome position (GRCh38, 1-based): chr5:14,482,644, T>C. VCF-style: chr5-14482644-T-C. GRCh37 (hg19) VCF-style: chr5-14482753-T-C.
Identifiers: ClinVar variation 3032307 (VCV003032307.3), dbSNP rs377179966, ClinGen allele CA3207150.